The following is an entry in ClinVar:

ClinVar aggregate classification (germline): Pathogenic (0 of 4 stars; one submission).

Conditions:
Fanconi anemia complementation group A (FANCA). Also called: Fanconi anemia, group A; FANCA-Related Fanconi Anemia. Identifiers: Orphanet 84, MedGen C3469521, MONDO:0009215, OMIM 227650.

Submission:

Leiden Open Variation Database
Classification: Pathogenic for Fanconi anemia complementation group A. Last evaluated: 2020-02-28. Review status: no assertion criteria provided. Collection method: curation. Allele origin: germline. Affected: yes.
Comment: Curator: Arleen D. Auerbach. Submitter to LOVD: Daniela Pilonetto.

NC_000016.10:g.(89752223_89758576)_(89762023_89764889)del

Gene: FANCA (FA complementation group A; minus strand). Cytogenetic location: 16q24.3.
Variant type: Deletion.
Identifiers: ClinVar variation 974342 (VCV000974342.1).